The following is an entry in ClinVar:

ClinVar aggregate classification (germline): Likely pathogenic. Review status: criteria provided, multiple submitters, no conflicts (2 of 4 stars). 3 submissions from 3 submitters: Likely pathogenic (3). Last evaluated 2026-09-03.

Conditions:
Alstrom syndrome (ALMS). Identifiers: Orphanet 64, MedGen C0268425, MONDO:0008763, OMIM 203800.
ALMS1-related disorder. Also called: ALMS1-related condition.
Cardiovascular phenotype. Identifiers: MedGen CN230736.

Allele frequency attached by ClinVar (database versions not stated): gnomAD exomes below 0.00001.
gnomAD v4.1: 1 of 1,612,648 alleles (0.000062%); highest among the groups gnomAD compares: South Asian, 0.0011%; no homozygotes.

Submissions (3):

Ambry Genetics
Classification: Likely pathogenic for Cardiovascular phenotype. Last evaluated: 2026-09-03. Review status: criteria provided, single submitter. Criteria: Ambry Variant Classification Scheme 2023. Collection method: clinical testing. Allele origin: germline.
Comment: The c.454-2A>G intronic variant results from an A to G substitution two nucleotides upstream from coding exon 3 in the ALMS1 gene. This variant is considered to be rare based on population cohorts in the Genome Aggregation Database (gnomAD). This nucleotide position is highly conserved in available vertebrate species. In silico splice site analysis predicts that this alteration will weaken the native splice acceptor site and will result in the creation or strengthening of a novel splice acceptor site. Variants that disrupt the canonical splice site are expected to cause aberrant splicing, resulting in an abnormal protein or a transcript that is subject to nonsense-mediated mRNA decay. As such, this alteration is classified as likely pathogenic.

Labcorp Genetics (formerly Invitae), Labcorp
Classification: Likely pathogenic for Alstrom syndrome. Last evaluated: 2025-11-25. Review status: criteria provided, single submitter. Criteria: Invitae Variant Classification Sherloc (09022015). Collection method: clinical testing. Allele origin: germline.
Comment: This sequence change affects an acceptor splice site in intron 2 of the ALMS1 gene. It is expected to disrupt RNA splicing. Variants that disrupt the donor or acceptor splice site typically lead to a loss of protein function (PMID: 16199547), and loss-of-function variants in ALMS1 are known to be pathogenic (PMID: 17594715). This variant is not present in population databases (gnomAD no frequency). This variant has not been reported in the literature in individuals affected with ALMS1-related conditions. ClinVar contains an entry for this variant (Variation ID: 1741366). Algorithms developed to predict the effect of sequence changes on RNA splicing suggest that this variant may disrupt the consensus splice site. In summary, the currently available evidence indicates that the variant is pathogenic, but additional data are needed to prove that conclusively. Therefore, this variant has been classified as Likely Pathogenic.

Blueprint Genetics
Classification: Likely pathogenic for ALMS1-related disorders. Last evaluated: 2021-08-10. Review status: criteria provided, single submitter. Criteria: ACMG Guidelines, 2015. Collection method: clinical testing. Allele origin: germline. Affected: yes. Observed: 2 variant alleles.

Literature cited by the submitters: PubMed 16199547 (cited by Labcorp Genetics (formerly Invitae), Labcorp); PubMed 17594715 (cited by Labcorp Genetics (formerly Invitae), Labcorp).

NM_001378454.1(ALMS1):c.451-2A>G

Gene: ALMS1 (ALMS1 centrosome and basal body associated protein; plus strand). Cytogenetic location: 2p13.1.
Variant type: single nucleotide variant.
Coding change: c.451-2A>G on transcript NM_001378454.1 (MANE Select); the canonical splice acceptor site of the intron before coding-DNA position 451, A replaced by G.
Molecular consequence: splice acceptor variant.
Genome position (GRCh38, 1-based): chr2:73,419,121, A>G. VCF-style: chr2-73419121-A-G. GRCh37 (hg19) VCF-style: chr2-73646249-A-G.
Other names: c.451-2A>G (NM_015120.4); c.454-2A>G (NM_015120.4).
Identifiers: ClinVar variation 1741366 (VCV001741366.9), dbSNP rs2466035962, ClinGen allele CA347258824.